The following is an entry in ClinVar:

ClinVar aggregate classification (germline): Conflicting classifications of pathogenicity. Review status: criteria provided, conflicting classifications (1 of 4 stars). 3 submissions from 3 submitters: Uncertain significance (2); Likely benign (1). Last evaluated 2024-12-02.

Allele frequency attached by ClinVar (database versions not stated): gnomAD exomes 0.00019; ExAC 0.00028; TOPMed 0.00031; gnomAD 0.00038; ESP Exome Variant Server 0.00062; 1000 Genomes Project 30x 0.00078; 1000 Genomes Project 0.00100.
gnomAD v4.1: 267 of 1,612,032 alleles (0.017%); highest among the groups gnomAD compares: African/African-American, 0.12%; no homozygotes.

Submissions (3):

Labcorp Genetics (formerly Invitae), Labcorp
Classification: Uncertain significance. Last evaluated: 2024-12-02. Review status: criteria provided, single submitter. Criteria: Invitae Variant Classification Sherloc (09022015). Collection method: clinical testing. Allele origin: germline.
Comment: This sequence change falls in intron 63 of the DNAH9 gene. It does not directly change the encoded amino acid sequence of the DNAH9 protein. It affects a nucleotide within the consensus splice site. This variant is present in population databases (rs147758066, gnomAD 0.1%). This variant has not been reported in the literature in individuals affected with DNAH9-related conditions. ClinVar contains an entry for this variant (Variation ID: 1386420). Variants that disrupt the consensus splice site are a relatively common cause of aberrant splicing (PMID: 17576681, 9536098). Algorithms developed to predict the effect of sequence changes on RNA splicing suggest that this variant is not likely to affect RNA splicing. In summary, the available evidence is currently insufficient to determine the role of this variant in disease. Therefore, it has been classified as a Variant of Uncertain Significance.

Blueprint Genetics
Classification: Likely benign. Last evaluated: 2024-11-13. Review status: criteria provided, single submitter. Criteria: ACMG Guidelines, 2015. Collection method: clinical testing. Allele origin: germline.

Breakthrough Genomics
Classification: Uncertain significance. Review status: criteria provided, single submitter. Criteria: ACMG Guidelines, 2015. Collection method: not provided. Allele origin: germline. Inheritance: Autosomal recessive inheritance. Affected: yes.

Literature cited by the submitters: PubMed 17576681 (cited by Labcorp Genetics (formerly Invitae), Labcorp); PubMed 9536098 (cited by Labcorp Genetics (formerly Invitae), Labcorp).

NM_001372.4(DNAH9):c.12105+4C>T

Gene: DNAH9 (dynein axonemal heavy chain 9; plus strand). Cytogenetic location: 17p12.
Variant type: single nucleotide variant.
Coding change: c.12105+4C>T on transcript NM_001372.4 (MANE Select); 4 bases into the intron after coding-DNA position 12105, C replaced by T.
Molecular consequence: intron variant.
Genome position (GRCh38, 1-based): chr17:11,930,097, C>T. VCF-style: chr17-11930097-C-T. GRCh37 (hg19) VCF-style: chr17-11833414-C-T.
Other names: c.1041+4C>T (NM_004662.2).
Identifiers: ClinVar variation 1386420 (VCV001386420.7), dbSNP rs147758066, ClinGen allele CA8398039.
Genomic context (GRCh38, chr17:11,930,097, plus strand): 5'-GAGCCCCCCACGGGCATGCATGCCAACCTGCACAAGGCCCTGGACAACTTCACTCAGGTA[C>T]GGCCCCGGGAGGGAGGCAAAAACAGCAGCACACCTCACAGTCAGCTGATGCAAACTGGTG-3'